The following is an entry in ClinVar:

NM_001360.3(DHCR7):c.-6-2A>T

Gene: DHCR7 (7-dehydrocholesterol reductase; minus strand). Cytogenetic location: 11q13.4.
Variant type: single nucleotide variant.
Coding change: c.-6-2A>T on transcript NM_001360.3 (MANE Select); the canonical splice acceptor site of the intron before 6 bases upstream of the start codon, A replaced by T.
Molecular consequence: splice acceptor variant.
Genome position (GRCh38, 1-based): chr11:71,444,960, T>A on the plus strand (A>T on the coding strand, the complement: DHCR7 is on the minus strand). VCF-style: chr11-71444960-T-A. GRCh37 (hg19) VCF-style: chr11-71156006-T-A.
Other names: c.-6-2A>T (NM_001163817.2).
Identifiers: ClinVar variation 3052442 (VCV003052442.3), dbSNP rs1949391192, ClinGen allele CA1981491474.

ClinVar aggregate classification (germline): Likely pathogenic. Review status: criteria provided, single submitter (1 of 4 stars). 2 submissions from 2 submitters: Likely pathogenic (1). 1 of the submissions does not count toward it. Last evaluated 2025-11-26.

Conditions:
DHCR7-related disorder. Also called: DHCR7-related condition.
Smith-Lemli-Opitz syndrome (SLOS). Also called: POLYDACTYLY, SEX REVERSAL, RENAL HYPOPLASIA, AND UNILOBAR LUNG; RSH SYNDROME; RUTLEDGE LETHAL MULTIPLE CONGENITAL ANOMALY SYNDROME; 7-Dehydrocholesterol reductase deficiency; LETHAL ACRODYSGENITAL SYNDROME. Identifiers: Orphanet 818, MedGen C0175694, MONDO:0010035, OMIM 270400.

Submissions (2):

Natera, Inc.
Classification: Likely pathogenic for Smith-Lemli-Opitz syndrome. Last evaluated: 2025-11-26. Review status: criteria provided, single submitter. Criteria: Natera Variant Classification Schema (03/2026). Collection method: clinical testing. Allele origin: germline.
Comment: The c.-6-2A>T variant in DHCR7 is a 5' untranslated region (UTR) variant located upstream of the translation start codon. This variant is expected to result in nonsense mediated decay, truncation, or a dysfunctional protein product. This variant is rare in the general population with a frequency below the threshold expected for the associated phenotype(s). Given the available evidence, this variant is classified as Likely Pathogenic.

PreventionGenetics, part of Exact Sciences
Classification: Uncertain significance for DHCR7-related condition. Last evaluated: 2023-12-13. Review status: no assertion criteria provided. Collection method: clinical testing. Allele origin: germline. Not counted in ClinVar's aggregate classification.
Comment: The DHCR7 c.-6-2A>T variant is located in the 5' untranslated region. To our knowledge, this variant has not been reported in the literature or in a large population database, indicating this variant is rare. This variant is located in the third exon of DHCR7, which is the first exon that contains coding sequence, and although variants affecting canonical splice acceptor sites in DHCR7 are expected to be pathogenic, no splice variants affecting this exon or other non-coding exons have been reported in the literature. Although we suspect that this variant may be pathogenic, at this time, the clinical significance of this variant is uncertain due to the absence of conclusive functional and genetic evidence.